The following is an entry in ClinVar:

NM_001379081.2(FREM1):c.2945C>T (p.Ser982Leu)

Gene: FREM1 (FRAS1 related extracellular matrix 1; minus strand). Cytogenetic location: 9p22.3.
Variant type: single nucleotide variant.
Coding change: c.2945C>T on transcript NM_001379081.2 (MANE Select); coding-DNA position 2945, C replaced by T.
Protein change: p.Ser982Leu; replaces serine 982 with leucine.
Molecular consequence: missense variant. On other transcripts: non-coding transcript variant (2).
Genome position (GRCh38, 1-based): chr9:14,808,083, G>A on the plus strand (C>T on the coding strand, the complement: FREM1 is on the minus strand). VCF-style: chr9-14808083-G-A. GRCh37 (hg19) VCF-style: chr9-14808081-G-A.
Other names: c.2945C>T (NM_144966.5); c.2945C>T, p.Ser982Leu (NM_144966.7); short protein forms S982L.
Identifiers: ClinVar variation 2067990 (VCV002067990.7), dbSNP rs377212852, ClinGen allele CA4990738.

ClinVar aggregate classification (germline): Uncertain significance. Review status: criteria provided, multiple submitters, no conflicts (2 of 4 stars). 4 submissions from 4 submitters: Uncertain significance (3). 1 of the submissions does not count toward it. Last evaluated 2024-05-20.

Conditions:
Inborn genetic diseases. Identifiers: MedGen C0950123, MeSH D030342.
FREM1-related disorder. Also called: FREM1-Related Disorders; FREM1-related condition.
BNAR syndrome. Also called: Bifid Nose With or Without Anorectal and Renal Anomalies (BNAR) Syndrome. Identifiers: Orphanet 217266, MedGen C2750433, MONDO:0012165, OMIM 608980.
Oculotrichoanal syndrome (MOTA). Also called: MARLES SYNDROME; Manitoba Oculotrichoanal (MOTA) Syndrome. Identifiers: Orphanet 2717, MedGen C1855425, MONDO:0009560, OMIM 248450.
Trigonocephaly 2 (TRIGNO2). Identifiers: Orphanet 3366, MedGen C3280974, MONDO:0013774, OMIM 614485.

Allele frequency attached by ClinVar (database versions not stated): ESP Exome Variant Server 0.00032; gnomAD exomes 0.00002; ExAC 0.00003.
gnomAD v4.1: 55 of 1,613,148 alleles (0.0034%); highest among the groups gnomAD compares: African/African-American, 0.029%; no homozygotes.

Submissions (4):

Fulgent Genetics
Classification: Uncertain significance for Oculotrichoanal syndrome; BNAR syndrome; Trigonocephaly 2. Last evaluated: 2024-05-20. Review status: criteria provided, single submitter. Criteria: ACMG Guidelines, 2015. Collection method: clinical testing. Allele origin: germline.

Ambry Genetics
Classification: Uncertain significance for Inborn genetic diseases. Last evaluated: 2023-05-04. Review status: criteria provided, single submitter. Criteria: Ambry Variant Classification Scheme 2023. Collection method: clinical testing. Allele origin: germline.

Labcorp Genetics (formerly Invitae), Labcorp
Classification: Uncertain significance. Last evaluated: 2022-08-19. Review status: criteria provided, single submitter. Criteria: Invitae Variant Classification Sherloc (09022015). Collection method: clinical testing. Allele origin: germline.
Comment: This sequence change replaces serine, which is neutral and polar, with leucine, which is neutral and non-polar, at codon 982 of the FREM1 protein (p.Ser982Leu). This variant is present in population databases (rs377212852, gnomAD 0.03%). This variant has not been reported in the literature in individuals affected with FREM1-related conditions. Algorithms developed to predict the effect of missense changes on protein structure and function are either unavailable or do not agree on the potential impact of this missense change (SIFT: "Deleterious"; PolyPhen-2: "Probably Damaging"; Align-GVGD: "Class C0"). In summary, the available evidence is currently insufficient to determine the role of this variant in disease. Therefore, it has been classified as a Variant of Uncertain Significance.

PreventionGenetics, part of Exact Sciences
Classification: Uncertain significance for FREM1-related condition. Last evaluated: 2024-05-23. Review status: no assertion criteria provided. Collection method: clinical testing. Allele origin: germline. Not counted in ClinVar's aggregate classification.
Comment: The FREM1 c.2945C>T variant is predicted to result in the amino acid substitution p.Ser982Leu. To our knowledge, this variant has not been reported in the literature. This variant is reported in 0.033% of alleles in individuals of African descent in gnomAD. At this time, the clinical significance of this variant is uncertain due to the absence of conclusive functional and genetic evidence.